The following is an entry in ClinVar:

ClinVar aggregate classification (germline): Uncertain significance (1 of 4 stars; one submission).

Submission:

Labcorp Genetics (formerly Invitae), Labcorp
Classification: Uncertain significance. Last evaluated: 2025-10-07. Review status: criteria provided, single submitter. Criteria: Invitae Variant Classification Sherloc (09022015). Collection method: clinical testing. Allele origin: germline.
Comment: This sequence change replaces glycine, which is neutral and non-polar, with arginine, which is basic and polar, at codon 377 of the SLC7A13 protein (p.Gly377Arg). This variant is not present in population databases (gnomAD no frequency). This variant has not been reported in the literature in individuals affected with SLC7A13-related conditions. An algorithm developed to predict the effect of missense changes on protein structure and function (PolyPhen-2) suggests that this variant is likely to be disruptive. In summary, the available evidence is currently insufficient to determine the role of this variant in disease. Therefore, it has been classified as a Variant of Uncertain Significance.

NM_138817.3(SLC7A13):c.1129G>A (p.Gly377Arg)

Gene: SLC7A13 (solute carrier family 7 member 13; minus strand). Cytogenetic location: 8q21.3.
Variant type: single nucleotide variant.
Coding change: c.1129G>A on transcript NM_138817.3 (MANE Select); coding-DNA position 1129, G replaced by A.
Protein change: p.Gly377Arg; replaces glycine 377 with arginine.
Molecular consequence: missense variant.
Genome position (GRCh38, 1-based): chr8:86,217,520, C>T on the plus strand (G>A on the coding strand, the complement: SLC7A13 is on the minus strand). VCF-style: chr8-86217520-C-T. GRCh37 (hg19) VCF-style: chr8-87229749-C-T.
Other names: short protein forms G377R.
Identifiers: ClinVar variation 4780817 (VCV004780817.1).